The following is an entry in ClinVar:

ClinVar aggregate classification (germline): Uncertain significance. Review status: criteria provided, single submitter (1 of 4 stars). 2 submissions from 2 submitters: Uncertain significance (1). 1 of the submissions does not count toward it. Last evaluated 2026-02-01.

Conditions:
Craniofacial microsomia 1 (CFM1). Also called: Hemifacial microsomia. Identifiers: Orphanet 374, MedGen C3495417, MONDO:0958175, OMIM 164210.

Submissions (2):

Labcorp Genetics (formerly Invitae), Labcorp
Classification: Uncertain significance. Last evaluated: 2026-02-01. Review status: criteria provided, single submitter. Criteria: Invitae Variant Classification Sherloc (09022015). Collection method: clinical testing. Allele origin: germline.
Comment: This variant, c.1117_1128del, results in the deletion of 4 amino acid(s) of the FOXI3 protein (p.Ser373_Thr376del), but otherwise preserves the integrity of the reading frame. This variant is present in population databases (rs767872970, gnomAD 0.02%). This variant has been observed in individual(s) with craniofacial microsomia (PMID: 37041148). Algorithms developed to predict the effect of variants on gene product structure and function are not available or were not evaluated for this variant. Experimental studies have shown that this variant affects FOXI3 function (PMID: 37041148). In summary, the available evidence is currently insufficient to determine the role of this variant in disease. Therefore, it has been classified as a Variant of Uncertain Significance.

ZhangYB Lab, Beihang University
Classification: Likely pathogenic for Craniofacial microsomia 1. Last evaluated: 2022-03-06. Review status: no assertion criteria provided. Collection method: research. Allele origin: germline, not applicable. Inheritance: Sporadic. Affected: yes. Observed: 1 heterozygote. Not counted in ClinVar's aggregate classification.
Comment: The Ser373_Thr376del variant in FOXI3 was identified from two unrelated craniofacial microsomia patients, and the dual luciferase assay showed the variant could decrese the transactivation of FOXI3.

Literature cited by the submitters: PubMed 37041148 (cited by Labcorp Genetics (formerly Invitae), Labcorp).

NM_001135649.3(FOXI3):c.1105AGCAATAGCACC[1] (p.369SNST[1])

Gene: FOXI3 (forkhead box I3; minus strand). Cytogenetic location: 2p11.2.
Variant type: Microsatellite.
Coding change: c.1105AGCAATAGCACC[1] on transcript NM_001135649.3 (MANE Select); one copy of the 12-base unit AGCAATAGCACC starting at c.1105; the reference has two copies in a row; one copy, 12 bases deleted; also written c.1117_1128del.
Protein change: p.369SNST[1].
Molecular consequence: inframe deletion.
Genome position (GRCh38, 1-based): chr2:88,448,342-88,448,353, GGTGCTATTGCT deleted on the plus strand (AGCAATAGCACC on the coding strand, the reverse complement: FOXI3 is on the minus strand); deleting any 12 consecutive bases within chr2:88,448,342-88,448,365 gives the same sequence; the position shown is the placement nearest the transcript's 3' end. VCF-style (leftmost placement, unchanged base first): chr2-88448341-CGGTGCTATTGCT-C. GRCh37 (hg19) VCF-style: chr2-88747860-CGGTGCTATTGCT-C.
Other names: c.1117_1128del (NM_001135649.3).
Identifiers: ClinVar variation 1986646 (VCV001986646.7), dbSNP rs767872970, ClinGen allele CA1753964.